The following is an entry in ClinVar:

NM_001080414.4(CCDC88C):c.5719G>A (p.Ala1907Thr)

Gene: CCDC88C (coiled-coil and HOOK domain protein 88C; minus strand). Cytogenetic location: 14q32.11.
Variant type: single nucleotide variant.
Coding change: c.5719G>A on transcript NM_001080414.4 (MANE Select); coding-DNA position 5719, G replaced by A.
Protein change: p.Ala1907Thr; replaces alanine 1907 with threonine.
Molecular consequence: missense variant. On other transcripts: non-coding transcript variant (2).
Genome position (GRCh38, 1-based): chr14:91,272,993, C>T on the plus strand (G>A on the coding strand, the complement: CCDC88C is on the minus strand). VCF-style: chr14-91272993-C-T. GRCh37 (hg19) VCF-style: chr14-91739337-C-T.
Other names: short protein forms A1907T.
Identifiers: ClinVar variation 3997348 (VCV003997348.2).

ClinVar aggregate classification (germline): Uncertain significance. Review status: criteria provided, multiple submitters, no conflicts (2 of 4 stars). 2 submissions from 2 submitters: Uncertain significance (2). Last evaluated 2025-05-06.

Conditions:
Inborn genetic diseases. Identifiers: MedGen C0950123, MeSH D030342.
CCDC88C-related disorder. Also called: CCDC88C-related condition; CCDC88C-Related Disorders.

gnomAD v4.1: 20 of 1,552,956 alleles (0.0013%); highest among the groups gnomAD compares: South Asian, 0.0094%; no homozygotes.

Submissions (2):

Ambry Genetics
Classification: Uncertain significance for Inborn genetic diseases. Last evaluated: 2025-05-06. Review status: criteria provided, single submitter. Criteria: Ambry Variant Classification Scheme 2023. Collection method: clinical testing. Allele origin: germline.

PreventionGenetics, part of Exact Sciences
Classification: Uncertain significance for CCDC88C-related condition. Last evaluated: 2025-03-12. Review status: criteria provided, single submitter. Criteria: ACMG Guidelines, 2015. Collection method: clinical testing. Allele origin: germline.
Comment: The CCDC88C c.5719G>A variant is predicted to result in the amino acid substitution p.Ala1907Thr. To our knowledge, this variant has not been reported in the literature. This variant is reported in 0.026% of alleles in individuals of African descent in gnomAD. At this time, the clinical significance of this variant is uncertain due to the absence of conclusive functional and genetic evidence.